The following is an entry in ClinVar:

ClinVar aggregate classification (germline): Likely pathogenic. Review status: criteria provided, multiple submitters, no conflicts (2 of 4 stars). 2 submissions from 2 submitters: Likely pathogenic (2). Last evaluated 2025-01-06.

Conditions:
Fanconi renotubular syndrome 5. Also called: FANCONI RENOTUBULAR SYNDROME, ACADIAN VARIANT. Identifiers: MedGen C5394473, MONDO:0030056, OMIM 618913.
Mitochondrial complex I deficiency, nuclear type 17. Also called: Mitochondrial complex 1 deficiency, nuclear type 17. Identifiers: MedGen C4748786, MONDO:0032622, OMIM 618239.

Allele frequency attached by ClinVar (database versions not stated): TOPMed 0.00001; gnomAD 0.00002; gnomAD exomes 0.00005 and 0.00011; ExAC 0.00013.
gnomAD v4.1: 68 of 1,613,444 alleles (0.0042%); highest among the groups gnomAD compares: South Asian, 0.075%; no homozygotes.

Submissions (2):

First Genomix Gene Laboratory, Genetic Diagnostics Department
Classification: Likely pathogenic for Fanconi renotubular syndrome 5; Mitochondrial complex I deficiency, nuclear type 17. Last evaluated: 2025-01-06. Review status: criteria provided, single submitter. Criteria: ACMG Guidelines, 2015. Collection method: clinical testing. Allele origin: germline. Inheritance: Autosomal recessive inheritance. Affected: no. Observed: 1 variant allele.

Department of Pathology and Laboratory Medicine, Sinai Health System
Classification: Likely pathogenic for Mitochondrial complex I deficiency, nuclear type 17; Fanconi renotubular syndrome 5. Last evaluated: 2023-01-04. Review status: criteria provided, single submitter. Criteria: ACMG Guidelines, 2015. Collection method: research. Allele origin: germline.

NM_152416.4(NDUFAF6):c.328G>T (p.Gly110Ter)

Gene: NDUFAF6 (NADH:ubiquinone oxidoreductase complex assembly factor 6; plus strand). Cytogenetic location: 8q22.1.
Variant type: single nucleotide variant.
Coding change: c.328G>T on transcript NM_152416.4 (MANE Select); coding-DNA position 328, G replaced by T.
Protein change: p.Gly110Ter; replaces glycine 110 with a stop codon.
Molecular consequence: nonsense. On other transcripts: 5 prime UTR variant (14), non-coding transcript variant (6).
Genome position (GRCh38, 1-based): chr8:95,035,484, G>T. VCF-style: chr8-95035484-G-T. GRCh37 (hg19) VCF-style: chr8-96047712-G-T.
Other names: c.52G>T, p.Gly18Ter (NM_001354521.2, NM_001330582.2, NM_001354514.2 and 1 more transcripts); c.-253G>T (NM_001354522.2, NM_001354529.2, NM_001354530.2 and 1 more transcripts); c.-322G>T (NM_001354524.2, NM_001354525.2, NM_001354528.2 and 1 more transcripts); c.-351G>T (NM_001354527.2, NM_001354531.2); c.-6G>T (NM_001354534.2, NM_001354517.2, NM_001354518.2 and 1 more transcripts); c.172G>T, p.Gly58Ter (NM_001354516.2); short protein forms G110*, G18*, G58*.
Identifiers: ClinVar variation 430873 (VCV000430873.4), dbSNP rs777821109.